The following is an entry in ClinVar:

NM_001165963.4(SCN1A):c.1118T>C (p.Leu373Ser)

Gene: SCN1A (sodium voltage-gated channel alpha subunit 1; minus strand). Cytogenetic location: 2q24.3.
Variant type: single nucleotide variant.
Coding change: c.1118T>C on transcript NM_001165963.4 (MANE Select); coding-DNA position 1118, T replaced by C.
Protein change: p.Leu373Ser; replaces leucine 373 with serine.
Molecular consequence: missense variant. On other transcripts: 5 prime UTR variant (1), non-coding transcript variant (1).
Genome position (GRCh38, 1-based): chr2:166,047,679, A>G on the plus strand (T>C on the coding strand, the complement: SCN1A is on the minus strand). VCF-style: chr2-166047679-A-G. GRCh37 (hg19) VCF-style: chr2-166904189-A-G.
Other names: c.1118T>C, p.Leu373Ser (NM_001165964.3, NM_001202435.3, NM_001353948.2 and 10 more transcripts); c.-1308T>C (NM_001353961.2); short protein forms L373S.
Identifiers: ClinVar variation 1065177 (VCV001065177.6), dbSNP rs1553547448, ClinGen allele CA349071179.

ClinVar aggregate classification (germline): Pathogenic/Likely pathogenic. Review status: criteria provided, multiple submitters, no conflicts (2 of 4 stars). 2 submissions from 2 submitters: Pathogenic (1); Likely pathogenic (1). Last evaluated 2023-04-18.

Conditions:
Early-infantile DEE. Also called: Early infantile epileptic encephalopathy with suppression bursts; Early infantile epileptic encephalopathy; Ohtahara syndrome. Identifiers: Orphanet 1934, MedGen C0393706, MONDO:0800491.
Severe myoclonic epilepsy in infancy (DRVT). Also called: SEVERE MYOCLONIC EPILEPSY OF INFANCY; DEVELOPMENTAL AND EPILEPTIC ENCEPHALOPATHY 6A; Severe Myoclonic Epilepsy in Infancy (SMEI); Epileptic encephalopathy, early infantile, 6 (Dravet syndrome); Dravet syndrome. Identifiers: Orphanet 33069, MedGen C0751122, MONDO:0100135, OMIM 607208.

Submissions (2):

Labcorp Genetics (formerly Invitae), Labcorp
Classification: Pathogenic for Early-infantile DEE. Last evaluated: 2023-04-18. Review status: criteria provided, single submitter. Criteria: Invitae Variant Classification Sherloc (09022015). Collection method: clinical testing. Allele origin: germline.
Comment: Algorithms developed to predict the effect of sequence changes on RNA splicing suggest that this variant may create or strengthen a splice site. For these reasons, this variant has been classified as Pathogenic. This variant is not present in population databases (gnomAD no frequency). This sequence change replaces leucine, which is neutral and non-polar, with serine, which is neutral and polar, at codon 373 of the SCN1A protein (p.Leu373Ser). This missense change has been observed in individual(s) with generalized and focal seizures (Invitae). In at least one individual the variant was observed to be de novo. ClinVar contains an entry for this variant (Variation ID: 1065177). Advanced modeling of protein sequence and biophysical properties (such as structural, functional, and spatial information, amino acid conservation, physicochemical variation, residue mobility, and thermodynamic stability) performed at Invitae indicates that this missense variant is expected to disrupt SCN1A protein function.

Centre for Inherited Metabolic Diseases, Karolinska University Hospital
Classification: Likely pathogenic for Severe myoclonic epilepsy in infancy. Last evaluated: 2021-04-25. Review status: criteria provided, single submitter. Criteria: ACMG Guidelines, 2015. Collection method: clinical testing. Allele origin: de novo. Inheritance: Autosomal dominant inheritance. Affected: yes. Observed: 1 heterozygote.